The following is an entry in ClinVar:

NM_199355.4(ADAMTS18):c.2721A>C (p.Gln907His)

Gene: ADAMTS18 (ADAM metallopeptidase with thrombospondin type 1 motif 18; minus strand). Cytogenetic location: 16q23.1.
Variant type: single nucleotide variant.
Coding change: c.2721A>C on transcript NM_199355.4 (MANE Select); coding-DNA position 2721, A replaced by C.
Protein change: p.Gln907His; replaces glutamine 907 with histidine.
Molecular consequence: missense variant.
Genome position (GRCh38, 1-based): chr16:77,297,369, T>G on the plus strand (A>C on the coding strand, the complement: ADAMTS18 is on the minus strand). VCF-style: chr16-77297369-T-G. GRCh37 (hg19) VCF-style: chr16-77331266-T-G.
Other names: c.2205A>C, p.Gln735His (NM_001326358.2); short protein forms Q735H, Q907H.
Identifiers: ClinVar variation 940568 (VCV000940568.9), dbSNP rs779044132, ClinGen allele CA8180771.

ClinVar aggregate classification (germline): Uncertain significance (1 of 4 stars; one submission).

gnomAD v4.1: 7 of 1,613,764 alleles (0.00043%); highest among the groups gnomAD compares: South Asian, 0.0066%; no homozygotes.

Submission:

Labcorp Genetics (formerly Invitae), Labcorp
Classification: Uncertain significance. Last evaluated: 2022-08-16. Review status: criteria provided, single submitter. Criteria: Invitae Variant Classification Sherloc (09022015). Collection method: clinical testing. Allele origin: germline.
Comment: Algorithms developed to predict the effect of missense changes on protein structure and function are either unavailable or do not agree on the potential impact of this missense change (SIFT: "Not Available"; PolyPhen-2: "Benign"; Align-GVGD: "Not Available"). In summary, the available evidence is currently insufficient to determine the role of this variant in disease. Therefore, it has been classified as a Variant of Uncertain Significance. ClinVar contains an entry for this variant (Variation ID: 940568). This variant has not been reported in the literature in individuals affected with ADAMTS18-related conditions. This variant is present in population databases (rs779044132, gnomAD 0.006%). This sequence change replaces glutamine, which is neutral and polar, with histidine, which is basic and polar, at codon 907 of the ADAMTS18 protein (p.Gln907His).